The following is an entry in ClinVar:

NM_001367916.1(MAGT1):c.849G>A (p.Met283Ile)

Gene: MAGT1 (magnesium transporter 1; minus strand). Cytogenetic location: Xq21.1.
Variant type: single nucleotide variant.
Coding change: c.849G>A on transcript NM_001367916.1 (MANE Select); coding-DNA position 849, G replaced by A.
Protein change: p.Met283Ile; replaces methionine 283 with isoleucine.
Molecular consequence: missense variant.
Genome position (GRCh38, 1-based): chrX:77,841,298, C>T on the plus strand (G>A on the coding strand, the complement: MAGT1 is on the minus strand). VCF-style: chrX-77841298-C-T. GRCh37 (hg19) VCF-style: chrX-77096795-C-T.
Other names: c.945G>A, p.Met315Ile (NM_032121.5); short protein forms M283I, M315I.
Identifiers: ClinVar variation 972145 (VCV000972145.9), dbSNP rs941882099, ClinGen allele CA331577747.

ClinVar aggregate classification (germline): Uncertain significance. Review status: criteria provided, multiple submitters, no conflicts (2 of 4 stars). 2 submissions from 2 submitters: Uncertain significance (2). Last evaluated 2026-07-23.

Conditions:
X-linked immunodeficiency with magnesium defect, Epstein-Barr virus infection and neoplasia. Identifiers: Orphanet 317476, MedGen C3275445, MONDO:0010455, OMIM 300853.
Inborn genetic diseases. Identifiers: MedGen C0950123, MeSH D030342.

Allele frequency attached by ClinVar (database versions not stated): gnomAD 0.00001; gnomAD exomes 0.00001.
gnomAD v4.1: 6 of 1,201,530 alleles (0.0005%); highest among the groups gnomAD compares: Middle Eastern, 0.046%; no homozygotes.

Submissions (2):

Ambry Genetics
Classification: Uncertain significance for Inborn genetic diseases. Last evaluated: 2026-07-23. Review status: criteria provided, single submitter. Criteria: Ambry Variant Classification Scheme 2023. Collection method: clinical testing. Allele origin: germline.
Comment: The c.945G>A (p.M315I) alteration is located in exon 8 (coding exon 8) of the MAGT1 gene. This alteration results from a G to A substitution at nucleotide position 945, causing the methionine (M) at amino acid position 315 to be replaced by an isoleucine (I). Based on data from gnomAD, the A allele has an overall frequency of 0.001% (2/183340) total alleles studied. The highest observed frequency was <0.001% (/) of alleles. Based on insufficient or conflicting evidence, the clinical significance of this alteration remains unclear.

Labcorp Genetics (formerly Invitae), Labcorp
Classification: Uncertain significance for X-linked immunodeficiency with magnesium defect, Epstein-Barr virus infection and neoplasia. Last evaluated: 2025-08-06. Review status: criteria provided, single submitter. Criteria: Invitae Variant Classification Sherloc (09022015). Collection method: clinical testing. Allele origin: germline.
Comment: This sequence change replaces methionine, which is neutral and non-polar, with isoleucine, which is neutral and non-polar, at codon 315 of the MAGT1 protein (p.Met315Ile). This variant is present in population databases (no rsID available, gnomAD no frequency), including at least one homozygous and/or hemizygous individual. This variant has not been reported in the literature in individuals affected with MAGT1-related conditions. ClinVar contains an entry for this variant (Variation ID: 972145). Invitae Evidence Modeling of protein sequence and biophysical properties (such as structural, functional, and spatial information, amino acid conservation, physicochemical variation, residue mobility, and thermodynamic stability) indicates that this missense variant is not expected to disrupt MAGT1 protein function with a negative predictive value of 80%. In summary, the available evidence is currently insufficient to determine the role of this variant in disease. Therefore, it has been classified as a Variant of Uncertain Significance.